The following is an entry in ClinVar:

ClinVar aggregate classification (germline): Uncertain significance. Review status: criteria provided, multiple submitters, no conflicts (2 of 4 stars). 2 submissions from 2 submitters: Uncertain significance (2). Last evaluated 2025-11-11.

Conditions:
Inborn genetic diseases. Identifiers: MedGen C0950123, MeSH D030342.
Beta-D-mannosidosis (MANSB). Also called: MANNOSIDOSIS, BETA A, LYSOSOMAL; BETA-MANNOSIDASE DEFICIENCY; LYSOSOMAL BETA-MANNOSIDASE DEFICIENCY; Beta-Mannosidosis. Identifiers: Orphanet 118, MedGen C4048196, MONDO:0009562, OMIM 248510.

Allele frequency attached by ClinVar (database versions not stated): gnomAD 0.00001; gnomAD exomes 0.00003; ExAC 0.00004.
gnomAD v4.1: 38 of 1,576,034 alleles (0.0024%); highest among the groups gnomAD compares: South Asian, 0.029%; no homozygotes.

Submissions (2):

Ambry Genetics
Classification: Uncertain significance for Inborn genetic diseases. Last evaluated: 2025-11-11. Review status: criteria provided, single submitter. Criteria: Ambry Variant Classification Scheme 2023. Collection method: clinical testing. Allele origin: germline.

Labcorp Genetics (formerly Invitae), Labcorp
Classification: Uncertain significance for Beta-D-mannosidosis. Last evaluated: 2021-09-24. Review status: criteria provided, single submitter. Criteria: Invitae Variant Classification Sherloc (09022015). Collection method: clinical testing. Allele origin: germline.
Comment: This sequence change replaces glutamic acid with lysine at codon 234 of the MANBA protein (p.Glu234Lys). The glutamic acid residue is moderately conserved and there is a small physicochemical difference between glutamic acid and lysine. This variant is present in population databases (rs762976551, ExAC 0.02%). This variant has not been reported in the literature in individuals with MANBA-related conditions. Algorithms developed to predict the effect of missense changes on protein structure and function output the following: SIFT: "Tolerated"; PolyPhen-2: "Benign"; Align-GVGD: "Class C0". The lysine amino acid residue is found in multiple mammalian species, suggesting that this missense change does not adversely affect protein function. These predictions have not been confirmed by published functional studies and their clinical significance is uncertain. In summary, the available evidence is currently insufficient to determine the role of this variant in disease. Therefore, it has been classified as a Variant of Uncertain Significance.

NM_005908.4(MANBA):c.700G>A (p.Glu234Lys)

Gene: MANBA (mannosidase beta; minus strand). Cytogenetic location: 4q24.
Variant type: single nucleotide variant.
Coding change: c.700G>A on transcript NM_005908.4 (MANE Select); coding-DNA position 700, G replaced by A.
Protein change: p.Glu234Lys; replaces glutamic acid 234 with lysine.
Molecular consequence: missense variant.
Genome position (GRCh38, 1-based): chr4:102,690,745, C>T on the plus strand (G>A on the coding strand, the complement: MANBA is on the minus strand). VCF-style: chr4-102690745-C-T. GRCh37 (hg19) VCF-style: chr4-103611902-C-T.
Other names: c.700G>A (NM_005908.3); short protein forms E234K.
Identifiers: ClinVar variation 1438116 (VCV001438116.6), dbSNP rs762976551, ClinGen allele CA3027125.
Genomic context (GRCh38, chr4:102,690,745, plus strand): 5'-CTACGATCACTTGACCACCAACTGGCTTTGAGCTGACAACATCAAATGTAGACTCTATTT[C>T]CAGATTCCACTCCTGGGCACTCTTATCTAAAATATAAAAAGAAAAAGAAATATATATATA-3'
Protein context (NP_005899.3, residues 224-244): YDKSAQEWNL[Glu234Lys]IESTFDVVSS